The following is an entry in ClinVar:

NM_000217.3(KCNA1):c.709G>A (p.Val237Met)

Gene: KCNA1 (potassium voltage-gated channel subfamily A member 1; plus strand). Cytogenetic location: 12p13.32.
Variant type: single nucleotide variant.
Coding change: c.709G>A on transcript NM_000217.3 (MANE Select); coding-DNA position 709, G replaced by A.
Protein change: p.Val237Met; replaces valine 237 with methionine.
Molecular consequence: missense variant.
Genome position (GRCh38, 1-based): chr12:4,912,087, G>A. VCF-style: chr12-4912087-G-A. GRCh37 (hg19) VCF-style: chr12-5021253-G-A.
Other names: short protein forms V237M.
Identifiers: ClinVar variation 1377634 (VCV001377634.6), dbSNP rs1428881435, ClinGen allele CA6399421.

ClinVar aggregate classification (germline): Uncertain significance (1 of 4 stars; one submission).

Conditions:
Episodic ataxia type 1 (EA1). Also called: PAROXYSMAL ATAXIA WITH NEUROMYOTONIA, HEREDITARY; ATAXIA, EPISODIC, WITH MYOKYMIA; Episodic ataxia/myokymia syndrome; MYOKYMIA WITH PERIODIC ATAXIA. Identifiers: Orphanet 37612, Orphanet 972, MedGen C1719788, MONDO:0008047, OMIM 160120.

Allele frequency attached by ClinVar (database versions not stated): TOPMed 0.00001; ExAC 0.00002; gnomAD exomes 0.00002.

Submission:

Labcorp Genetics (formerly Invitae), Labcorp
Classification: Uncertain significance for Episodic ataxia type 1. Last evaluated: 2025-08-11. Review status: criteria provided, single submitter. Criteria: Invitae Variant Classification Sherloc (09022015). Collection method: clinical testing. Allele origin: germline.
Comment: This sequence change replaces valine, which is neutral and non-polar, with methionine, which is neutral and non-polar, at codon 237 of the KCNA1 protein (p.Val237Met). This variant is present in population databases (no rsID available, gnomAD 0.01%). This variant has not been reported in the literature in individuals affected with KCNA1-related conditions. ClinVar contains an entry for this variant (Variation ID: 1377634). Invitae Evidence Modeling of protein sequence and biophysical properties (such as structural, functional, and spatial information, amino acid conservation, physicochemical variation, residue mobility, and thermodynamic stability) indicates that this missense variant is not expected to disrupt KCNA1 protein function with a negative predictive value of 80%. In summary, the available evidence is currently insufficient to determine the role of this variant in disease. Therefore, it has been classified as a Variant of Uncertain Significance.